The following is an entry in ClinVar:

ClinVar aggregate classification (germline): Benign (0 of 4 stars; one submission).

Conditions:
UGT2B17-related disorder. Also called: UGT2B17-related condition.

Allele frequency attached by ClinVar (database versions not stated): 1000 Genomes Project 30x 0.19706; gnomAD 0.26365; ExAC 0.28897.
gnomAD v4.1: 395,264 of 1,303,652 alleles (30%); highest among the groups gnomAD compares: Admixed American, 48%; 140,188 homozygotes.

Submission:

PreventionGenetics, part of Exact Sciences
Classification: Benign for UGT2B17-related condition. Last evaluated: 2019-10-21. Review status: no assertion criteria provided. Collection method: clinical testing. Allele origin: germline.
Comment: This variant is classified as benign based on ACMG/AMP sequence variant interpretation guidelines (Richards et al. 2015 PMID: 25741868, with internal and published modifications).

NM_001077.4(UGT2B17):c.1152A>G (p.Ala384=)

Gene: UGT2B17 (UDP glucuronosyltransferase family 2 member B17; minus strand). Cytogenetic location: 4q13.2.
Variant type: single nucleotide variant.
Coding change: c.1152A>G on transcript NM_001077.4 (MANE Select); coding-DNA position 1152, A replaced by G.
Protein change: p.Ala384=; no amino-acid change (alanine 384 retained).
Molecular consequence: synonymous variant.
Genome position (GRCh38, 1-based): chr4:68,550,838, T>C on the plus strand (A>G on the coding strand, the complement: UGT2B17 is on the minus strand). VCF-style: chr4-68550838-T-C. GRCh37 (hg19) VCF-style: chr4-69416556-T-C.
Identifiers: ClinVar variation 3059332 (VCV003059332.2), dbSNP rs13102139, ClinGen allele CA2942082.